The following is an entry in ClinVar:

ClinVar aggregate classification (germline): Benign/Likely benign. Review status: criteria provided, multiple submitters, no conflicts (2 of 4 stars). 3 submissions from 2 submitters: Benign (1); Likely benign (1). 1 of the submissions does not count toward it. Last evaluated 2015-07-31.

Allele frequency attached by ClinVar (database versions not stated): gnomAD exomes 0.01619 and 0.01479; gnomAD 0.02708 and 0.02841; 1000 Genomes Project 0.02835; 1000 Genomes Project 30x 0.02951; TOPMed 0.03075; ESP Exome Variant Server 0.03283; ExAC 0.01623.
gnomAD v4.1: 27,805 of 1,614,070 alleles (1.7%); highest among the groups gnomAD compares: African/African-American, 6.6%; 369 homozygotes.

Submissions (3):

GeneDx
Classification: Benign. Last evaluated: 2015-07-31. Review status: criteria provided, single submitter. Criteria: GeneDx Variant Classification Process June 2021. Collection method: clinical testing. Allele origin: germline. Affected: yes.

Breakthrough Genomics
Classification: Likely benign. Review status: criteria provided, single submitter. Criteria: ACMG Guidelines, 2015. Collection method: not provided. Allele origin: germline. Inheritance: Autosomal dominant inheritance. Affected: yes.

GeneDx
Classification: Benign. Last evaluated: 2015-07-31. Review status: flagged submission. Criteria: GeneDx Variant Classification (06012015). Collection method: clinical testing. Allele origin: germline. Affected: yes. Not counted in ClinVar's aggregate classification.
Comment: This variant is considered likely benign or benign based on one or more of the following criteria: it is a conservative change, it occurs at a poorly conserved position in the protein, it is predicted to be benign by multiple in silico algorithms, and/or has population frequency not consistent with disease.
ClinVar note: Reason: This record appears to be redundant with a more recent record from the same submitter.
ClinVar note: Notes: SCV000512978 appears to be redundant with SCV001833562.

NM_000043.6(FAS):c.-34A>G

Genes: ACTA2 (actin alpha 2, smooth muscle; minus strand), FAS (Fas cell surface death receptor; plus strand). Cytogenetic location: 10q23.31.
Variant type: single nucleotide variant.
Coding change: c.-34A>G on transcript NM_000043.6 (MANE Select); 34 bases upstream of the start codon, A replaced by G.
Molecular consequence: 5 prime UTR variant. On other transcripts: non-coding transcript variant (5), intron variant (7).
Genome position (GRCh38, 1-based): chr10:88,990,843, A>G. VCF-style: chr10-88990843-A-G. GRCh37 (hg19) VCF-style: chr10-90750600-A-G.
Other names: c.-34A>G (NM_001320619.2, NM_152871.4, NM_152872.4); c.-24+179T>C (NM_001406467.1, NM_001320855.2); c.-182+179T>C (NM_001406462.1); c.-24+96T>C (NM_001406468.1, NM_001406471.1, NM_001141945.3); c.-182+96T>C (NM_001406463.1).
Identifiers: ClinVar variation 301520 (VCV000301520.10), dbSNP rs5030766, ClinGen allele CA046076.